The following is an entry in ClinVar:

ClinVar aggregate classification (germline): Uncertain significance (1 of 4 stars; one submission).

Conditions:
Glycogen storage disease, type II (IOPD). Also called: GLYCOGENOSIS, GENERALIZED, CARDIAC FORM; GSD II; Glucosidase acid-1,4-alpha deficiency; Pompe Disease; CARDIOMEGALIA GLYCOGENICA DIFFUSA; Glycogen storage disease type 2. Identifiers: Orphanet 365, MedGen C0017921, MONDO:0009290, OMIM 232300.

Submission:

Labcorp Genetics (formerly Invitae), Labcorp
Classification: Uncertain significance for Glycogen storage disease, type II. Last evaluated: 2022-02-03. Review status: criteria provided, single submitter. Criteria: Invitae Variant Classification Sherloc (09022015). Collection method: clinical testing. Allele origin: germline.
Comment: In summary, the available evidence is currently insufficient to determine the role of this variant in disease. Therefore, it has been classified as a Variant of Uncertain Significance. Variants that disrupt the consensus splice site are a relatively common cause of aberrant splicing (PMID: 17576681, 9536098). Algorithms developed to predict the effect of sequence changes on RNA splicing suggest that this variant may create or strengthen a splice site. ClinVar contains an entry for this variant (Variation ID: 651151). This variant has not been reported in the literature in individuals affected with GAA-related conditions. This variant is not present in population databases (gnomAD no frequency). This sequence change falls in intron 17 of the GAA gene. It does not directly change the encoded amino acid sequence of the GAA protein. It affects a nucleotide within the consensus splice site.

Literature cited by the submitters: PubMed 17576681; PubMed 9536098.

NM_000152.5(GAA):c.2481+5C>G

Gene: GAA (alpha glucosidase; plus strand). Cytogenetic location: 17q25.3.
Variant type: single nucleotide variant.
Coding change: c.2481+5C>G on transcript NM_000152.5 (MANE Select); 5 bases into the intron after coding-DNA position 2481, C replaced by G.
Molecular consequence: intron variant.
Genome position (GRCh38, 1-based): chr17:80,117,754, C>G. VCF-style: chr17-80117754-C-G. GRCh37 (hg19) VCF-style: chr17-78091553-C-G.
Other names: c.2481+5C>G (LRG_673t1, NM_001079803.3, NM_001079804.3).
Identifiers: ClinVar variation 651151 (VCV000651151.9), dbSNP rs1598592432, ClinGen allele CA915952256.